The following is an entry in ClinVar:

NM_005097.4(LGI1):c.360A>G (p.Leu120=)

Gene: LGI1 (leucine rich glioma inactivated 1; plus strand). Cytogenetic location: 10q23.33.
Variant type: single nucleotide variant.
Coding change: c.360A>G on transcript NM_005097.4 (MANE Select); coding-DNA position 360, A replaced by G.
Protein change: p.Leu120=; no amino-acid change (leucine 120 retained).
Molecular consequence: synonymous variant. On other transcripts: intron variant (1).
Genome position (GRCh38, 1-based): chr10:93,777,546, A>G. VCF-style: chr10-93777546-A-G. GRCh37 (hg19) VCF-style: chr10-95537303-A-G.
Other names: c.360A>G, p.Leu120= (NM_001308275.2); c.288-12553A>G (NM_001308276.2).
Identifiers: ClinVar variation 1427920 (VCV001427920.6), dbSNP rs773488211, ClinGen allele CA5611081.
Genomic context (GRCh38, chr10:93,777,546, plus strand): 5'-AGGACAAGTACTCTCAAGTTCCTGTAACTGTTTGACAAAAAATATTATAACTTATTGCAG[A>G]TTCATAGAAAACAACAACATCAAGTCAATTTCAAGACATACTTTCCGGGGACTAAAGTCA-3'
Protein context (NP_005088.1, residues 110-130): AFIGLPHLEY[Leu120=]FIENNNIKSI

ClinVar aggregate classification (germline): Uncertain significance (1 of 4 stars; one submission).

Conditions:
Autosomal dominant epilepsy with auditory features. Identifiers: Orphanet 101046, MedGen C1838062, MONDO:0010898.

Allele frequency attached by ClinVar (database versions not stated): gnomAD exomes below 0.00001 and 0.00001; TOPMed below 0.00001; ExAC 0.00001; gnomAD 0.00001.
gnomAD v4.1: 3 of 1,613,150 alleles (0.00019%); highest among the groups gnomAD compares: Admixed American, 0.005%; no homozygotes.

Submission:

Labcorp Genetics (formerly Invitae), Labcorp
Classification: Uncertain significance for Autosomal dominant epilepsy with auditory features. Last evaluated: 2023-06-05. Review status: criteria provided, single submitter. Criteria: Invitae Variant Classification Sherloc (09022015). Collection method: clinical testing. Allele origin: germline.
Comment: Algorithms developed to predict the effect of sequence changes on RNA splicing suggest that this variant is not likely to affect RNA splicing. ClinVar contains an entry for this variant (Variation ID: 1427920). This variant has not been reported in the literature in individuals affected with LGI1-related conditions. This variant is present in population databases (rs773488211, gnomAD 0.006%). This sequence change affects codon 120 of the LGI1 mRNA. It is a 'silent' change, meaning that it does not change the encoded amino acid sequence of the LGI1 protein. It affects a nucleotide within the consensus splice site. In summary, the available evidence is currently insufficient to determine the role of this variant in disease. Therefore, it has been classified as a Variant of Uncertain Significance.